The following is an entry in ClinVar:

NM_006421.5(ARFGEF1):c.1311A>G (p.Pro437=)

Gene: ARFGEF1 (ARF guanine nucleotide exchange factor 1; minus strand). Cytogenetic location: 8q13.2.
Variant type: single nucleotide variant.
Coding change: c.1311A>G on transcript NM_006421.5 (MANE Select); coding-DNA position 1311, A replaced by G.
Protein change: p.Pro437=; no amino-acid change (proline 437 retained).
Molecular consequence: synonymous variant. On other transcripts: non-coding transcript variant (1), intron variant (1).
Genome position (GRCh38, 1-based): chr8:67,276,002, T>C on the plus strand (A>G on the coding strand, the complement: ARFGEF1 is on the minus strand). VCF-style: chr8-67276002-T-C. GRCh37 (hg19) VCF-style: chr8-68188237-T-C.
Other names: c.1311A>G, p.Pro437= (NM_001413184.1, NM_001413185.1, NM_001413186.1 and 7 more transcripts); c.711A>G, p.Pro237= (NM_001413188.1, NM_001413193.1, NM_001413197.1); c.-88-4066A>G (NM_001413196.1).
Identifiers: ClinVar variation 4874155 (VCV004874155.2).
Genomic context (GRCh38, chr8:67,276,002, plus strand): 5'-CTCTATTTGTCAGGCAAAACAGTTAATAACTTACTTTGGATCTGGTGGTCCATCTGACAG[T>C]GGTTTCATTGACAGTTTACACAATGACCTGAATACTAGAAAGGCATCCTTTTGTAAAATG-3'
Protein context (NP_006412.2, residues 427-447): FRSLCKLSMK[Pro437=]LSDGPPDPKS

ClinVar aggregate classification (germline): Likely benign (1 of 4 stars; one submission).

Submission:

CeGaT Center for Human Genetics Tuebingen
Classification: Likely benign. Last evaluated: 2026-05-01. Review status: criteria provided, single submitter. Criteria: CeGaT Center For Human Genetics Tuebingen Variant Classification Criteria Version 2. Collection method: clinical testing. Allele origin: germline. Affected: yes. Observed: 1 variant allele.
Comment: ARFGEF1: PM2:Supporting, BP4, BP7